The following is an entry in ClinVar:

ClinVar aggregate classification (germline): Uncertain significance (1 of 4 stars; one submission).

Submission:

Labcorp Genetics (formerly Invitae), Labcorp
Classification: Uncertain significance. Last evaluated: 2025-06-29. Review status: criteria provided, single submitter. Criteria: Invitae Variant Classification Sherloc (09022015). Collection method: clinical testing. Allele origin: germline.
Comment: This sequence change replaces cysteine, which is neutral and slightly polar, with tyrosine, which is neutral and polar, at codon 42 of the PACS2 protein (p.Cys42Tyr). This variant is not present in population databases (gnomAD no frequency). This variant has not been reported in the literature in individuals affected with PACS2-related conditions. An algorithm developed to predict the effect of missense changes on protein structure and function (PolyPhen-2) suggests that this variant is likely to be disruptive. In summary, the available evidence is currently insufficient to determine the role of this variant in disease. Therefore, it has been classified as a Variant of Uncertain Significance.

NM_001100913.3(PACS2):c.125G>A (p.Cys42Tyr)

Gene: PACS2 (phosphofurin acidic cluster sorting protein 2; plus strand). Cytogenetic location: 14q32.33.
Variant type: single nucleotide variant.
Coding change: c.125G>A on transcript NM_001100913.3 (MANE Select); coding-DNA position 125, G replaced by A.
Protein change: p.Cys42Tyr; replaces cysteine 42 with tyrosine.
Molecular consequence: missense variant. On other transcripts: 5 prime UTR variant (1).
Genome position (GRCh38, 1-based): chr14:105,348,498, G>A. VCF-style: chr14-105348498-G-A. GRCh37 (hg19) VCF-style: chr14-105814835-G-A.
Other names: c.-77G>A (NM_001243127.3); c.125G>A, p.Cys42Tyr (NM_015197.4); short protein forms C42Y.
Identifiers: ClinVar variation 4722290 (VCV004722290.1).